The following is an entry in ClinVar:

ClinVar aggregate classification (germline): Uncertain significance. Review status: criteria provided, multiple submitters, no conflicts (2 of 4 stars). 2 submissions from 2 submitters: Uncertain significance (2). Last evaluated 2023-12-13.

Allele frequency attached by ClinVar (database versions not stated): gnomAD exomes below 0.00001; TOPMed below 0.00001.
gnomAD v4.1: 5 of 1,605,180 alleles (0.00031%); highest among the groups gnomAD compares: Non-Finnish European, 0.00034%; no homozygotes.

Submissions (2):

Blueprint Genetics
Classification: Uncertain significance. Last evaluated: 2023-12-13. Review status: criteria provided, single submitter. Criteria: ACMG Guidelines, 2015. Collection method: clinical testing. Allele origin: germline.

Labcorp Genetics (formerly Invitae), Labcorp
Classification: Uncertain significance. Last evaluated: 2023-07-10. Review status: criteria provided, single submitter. Criteria: Invitae Variant Classification Sherloc (09022015). Collection method: clinical testing. Allele origin: germline.
Comment: Advanced modeling of protein sequence and biophysical properties (such as structural, functional, and spatial information, amino acid conservation, physicochemical variation, residue mobility, and thermodynamic stability) performed at Invitae indicates that this missense variant is expected to disrupt DRAM2 protein function. ClinVar contains an entry for this variant (Variation ID: 1014619). This variant has not been reported in the literature in individuals affected with DRAM2-related conditions. This variant is not present in population databases (gnomAD no frequency). This sequence change replaces phenylalanine, which is neutral and non-polar, with cysteine, which is neutral and slightly polar, at codon 230 of the DRAM2 protein (p.Phe230Cys). In summary, the available evidence is currently insufficient to determine the role of this variant in disease. Therefore, it has been classified as a Variant of Uncertain Significance.

NM_001349884.2(DRAM2):c.689T>G (p.Phe230Cys)

Gene: DRAM2 (DNA damage regulated autophagy modulator 2; minus strand). Cytogenetic location: 1p13.3.
Variant type: single nucleotide variant.
Coding change: c.689T>G on transcript NM_001349884.2 (MANE Select); coding-DNA position 689, T replaced by G.
Protein change: p.Phe230Cys; replaces phenylalanine 230 with cysteine.
Molecular consequence: missense variant. On other transcripts: non-coding transcript variant (8).
Genome position (GRCh38, 1-based): chr1:111,118,809, A>C on the plus strand (T>G on the coding strand, the complement: DRAM2 is on the minus strand). VCF-style: chr1-111118809-A-C. GRCh37 (hg19) VCF-style: chr1-111661431-A-C.
Other names: c.689T>G, p.Phe230Cys (NM_001349881.2, NM_001349882.2, NM_001349885.2 and 1 more transcripts); c.419T>G, p.Phe140Cys (NM_001349886.2, NM_001349887.2, NM_001349888.2); c.299T>G, p.Phe100Cys (NM_001349889.2, NM_001349890.2, NM_001349891.2 and 2 more transcripts); short protein forms F100C, F140C, F230C.
Identifiers: ClinVar variation 1014619 (VCV001014619.7), dbSNP rs1649416775, ClinGen allele CA341818147.